The following is an entry in ClinVar:

NM_001005242.3(PKP2):c.1680G>A (p.Thr560=)

Gene: PKP2 (plakophilin 2; minus strand). Cytogenetic location: 12p11.21.
Variant type: single nucleotide variant.
Coding change: c.1680G>A on transcript NM_001005242.3 (MANE Select); coding-DNA position 1680, G replaced by A.
Protein change: p.Thr560=; no amino-acid change (threonine 560 retained).
Molecular consequence: synonymous variant.
Genome position (GRCh38, 1-based): chr12:32,822,626, C>T on the plus strand (G>A on the coding strand, the complement: PKP2 is on the minus strand). VCF-style: chr12-32822626-C-T. GRCh37 (hg19) VCF-style: chr12-32975560-C-T.
Other names: c.1812G>A, p.Thr604= (NM_004572.4).
Identifiers: ClinVar variation 496255 (VCV000496255.16), dbSNP rs773662874, ClinGen allele CA031022.

ClinVar aggregate classification (germline): Likely benign. Review status: criteria provided, multiple submitters, no conflicts (2 of 4 stars). 6 submissions from 6 submitters: Likely benign (5). 1 of the submissions does not count toward it. Last evaluated 2025-11-28.

Conditions:
PKP2-related disorder. Also called: PKP2-related condition.
Cardiovascular phenotype. Identifiers: MedGen CN230736.
Cardiomyopathy (CMYO). Also called: Cardiomyopathies. Identifiers: Orphanet 167848, MedGen C0878544, MONDO:0004994, HP:0001638. Inheritance: Various modes of inheritance.
Arrhythmogenic right ventricular dysplasia 9 (ARVD9). Also called: Arrhythmogenic Right Ventricular Dysplasia/Cardiomyopathy 9; ARRHYTHMOGENIC RIGHT VENTRICULAR DYSPLASIA, FAMILIAL, 9. Identifiers: MedGen C1836906, MONDO:0012180, OMIM 609040.
Arrhythmogenic right ventricular cardiomyopathy (ARVD). Also called: Arrhythmogenic cardiomyopathy; Arrhythmogenic Right Ventricular Cardiomyopathy (ARVC); Cardiomyopathy, ARVC; Arrhythmogenic right ventricular dysplasia. Identifiers: Orphanet 247, MedGen C0349788, MeSH D019571, MONDO:0016587. Disease mechanism: loss of function. Inheritance: Various modes of inheritance.

Allele frequency attached by ClinVar (database versions not stated): gnomAD exomes 0.00002 and 0.00001; ExAC 0.00001; gnomAD 0.00001; TOPMed 0.00002.
gnomAD v4.1: 37 of 1,613,926 alleles (0.0023%); highest among the groups gnomAD compares: South Asian, 0.0044%; no homozygotes.

Submissions (6):

Labcorp Genetics (formerly Invitae), Labcorp
Classification: Likely benign for Arrhythmogenic right ventricular dysplasia 9. Last evaluated: 2025-11-28. Review status: criteria provided, single submitter. Criteria: Invitae Variant Classification Sherloc (09022015). Collection method: clinical testing. Allele origin: germline.

Ambry Genetics
Classification: Likely benign for Cardiovascular phenotype. Last evaluated: 2024-06-30. Review status: criteria provided, single submitter. Criteria: Ambry Variant Classification Scheme 2023. Collection method: clinical testing. Allele origin: germline.

All of Us Research Program, National Institutes of Health
Classification: Likely benign for Arrhythmogenic right ventricular cardiomyopathy. Last evaluated: 2023-11-02. Review status: criteria provided, single submitter. Criteria: ACMG Guidelines, 2015. Collection method: clinical testing. Allele origin: germline. Inheritance: Autosomal dominant inheritance. Observed: 5 variant alleles, 5 heterozygotes.
Comment: This study involves interpretation of variants in research participants for the purpose of population health screening. Participant phenotype was not available at the time of variant classification. Additional details can be found in publication PMID: 35346344, PMCID: PMC8962531

Women's Health and Genetics/Laboratory Corporation of America, LabCorp
Classification: Likely benign. Last evaluated: 2019-08-29. Review status: criteria provided, single submitter. Criteria: LabCorp Variant Classification Summary - May 2015. Collection method: clinical testing. Allele origin: germline.

Color Diagnostics, LLC DBA Color Health
Classification: Likely benign for Cardiomyopathy. Last evaluated: 2019-03-30. Review status: criteria provided, single submitter. Criteria: ACMG Guidelines, 2015. Collection method: clinical testing. Allele origin: germline.

PreventionGenetics, part of Exact Sciences
Classification: Likely benign for PKP2-related condition. Last evaluated: 2021-05-10. Review status: no assertion criteria provided. Collection method: clinical testing. Allele origin: germline. Not counted in ClinVar's aggregate classification.
Comment: This variant is classified as likely benign based on ACMG/AMP sequence variant interpretation guidelines (Richards et al. 2015 PMID: 25741868, with internal and published modifications).